The following is an entry in ClinVar:

ClinVar aggregate classification (germline): Uncertain significance (1 of 4 stars; one submission).

Allele frequency attached by ClinVar (database versions not stated): ESP Exome Variant Server 0.00008.

Submission:

Labcorp Genetics (formerly Invitae), Labcorp
Classification: Uncertain significance. Last evaluated: 2019-08-08. Review status: criteria provided, single submitter. Criteria: Invitae Variant Classification Sherloc (09022015). Collection method: clinical testing. Allele origin: germline.
Comment: This sequence change replaces glutamine with glutamic acid at codon 430 of the NSD1 protein (p.Gln430Glu). The glutamine residue is weakly conserved and there is a small physicochemical difference between glutamine and glutamic acid. This variant is not present in population databases (ExAC no frequency). This variant has not been reported in the literature in individuals with NSD1-related conditions. Algorithms developed to predict the effect of missense changes on protein structure and function (SIFT, PolyPhen-2, Align-GVGD) all suggest that this variant is likely to be tolerated, but these predictions have not been confirmed by published functional studies and their clinical significance is uncertain. In summary, the available evidence is currently insufficient to determine the role of this variant in disease. Therefore, it has been classified as a Variant of Uncertain Significance.

NM_022455.5(NSD1):c.1288C>G (p.Gln430Glu)

Gene: NSD1 (nuclear receptor binding SET domain protein 1; plus strand). Cytogenetic location: 5q35.3.
Variant type: single nucleotide variant.
Coding change: c.1288C>G on transcript NM_022455.5 (MANE Select); coding-DNA position 1288, C replaced by G.
Protein change: p.Gln430Glu; replaces glutamine 430 with glutamic acid.
Molecular consequence: missense variant.
Genome position (GRCh38, 1-based): chr5:177,209,687, C>G. VCF-style: chr5-177209687-C-G. GRCh37 (hg19) VCF-style: chr5-176636688-C-G.
Other names: c.415C>G, p.Gln139Glu (NM_001365684.2, NM_001409306.1, NM_001409307.1 and 3 more transcripts); c.1288C>G, p.Gln430Glu (NM_001409301.1, NM_001409302.1, NM_001409303.1); c.868C>G, p.Gln290Glu (NM_001409304.1); c.535C>G, p.Gln179Glu (NM_001409305.1); short protein forms Q161E, Q430E, Q139E, Q290E, Q179E.
Identifiers: ClinVar variation 959656 (VCV000959656.10), dbSNP rs367809750, ClinGen allele CA132829147.
Genomic context (GRCh38, chr5:177,209,687, plus strand): 5'-AAATTTAAGGTTCCTCAGAAAATTTTGAGTAAATGGGAAGCCAGTGTTGGACTTGCAGAA[C>G]AGTATGATGTTCCCAAGGGGTCAAAGAACCGAAAATGTATTCCTGGTTCAATCAAGTTGG-3'
Protein context (NP_071900.2, residues 420-440): KWEASVGLAE[Gln430Glu]YDVPKGSKNR